The following is an entry in ClinVar:

NM_014283.5(SUCO):c.352G>T (p.Glu118Ter)

Gene: SUCO (SUN domain containing ossification factor; plus strand). Cytogenetic location: 1q24.3.
Variant type: single nucleotide variant.
Coding change: c.352G>T on transcript NM_014283.5 (MANE Select); coding-DNA position 352, G replaced by T.
Protein change: p.Glu118Ter; replaces glutamic acid 118 with a stop codon.
Molecular consequence: nonsense. On other transcripts: 5 prime UTR variant (1).
Genome position (GRCh38, 1-based): chr1:172,555,932, G>T. VCF-style: chr1-172555932-G-T. GRCh37 (hg19) VCF-style: chr1-172525072-G-T.
Other names: c.241G>T, p.Glu81Ter (NM_001282750.2); c.-1178G>T (NM_001282751.2); c.826G>T, p.Glu276Ter (NM_016227.4); short protein forms E118*, E276*, E81*.
Identifiers: ClinVar variation 2969888 (VCV002969888.3), dbSNP rs748521158, ClinGen allele CA1246535.

ClinVar aggregate classification (germline): Uncertain significance (1 of 4 stars; one submission).

Allele frequency attached by ClinVar (database versions not stated): gnomAD exomes below 0.00001; TOPMed below 0.00001; ExAC 0.00001.

Submission:

Labcorp Genetics (formerly Invitae), Labcorp
Classification: Uncertain significance. Last evaluated: 2023-05-11. Review status: criteria provided, single submitter. Criteria: Invitae Variant Classification Sherloc (09022015). Collection method: clinical testing. Allele origin: germline.
Comment: This variant is present in population databases (rs748521158, gnomAD 0.002%). In summary, the available evidence is currently insufficient to determine the role of this variant in disease. Therefore, it has been classified as a Variant of Uncertain Significance. This variant has not been reported in the literature in individuals affected with SUCO-related conditions. This sequence change creates a premature translational stop signal (p.Glu118*) in the SUCO gene. It is expected to result in an absent or disrupted protein product. However, the current clinical and genetic evidence is not sufficient to establish whether loss-of-function variants in SUCO cause disease.